The following is an entry in ClinVar:

NM_001172509.2(SATB2):c.1795G>T (p.Glu599Ter)

Genes: SATB2 (SATB homeobox 2; minus strand), LOC126806462 (MED14-independent group 3 enhancer GRCh37_chr2:200136608-200137807; plus strand). Cytogenetic location: 2q33.1.
Variant type: single nucleotide variant.
Coding change: c.1795G>T on transcript NM_001172509.2 (MANE Select); coding-DNA position 1795, G replaced by T.
Protein change: p.Glu599Ter; replaces glutamic acid 599 with a stop codon.
Molecular consequence: nonsense.
Genome position (GRCh38, 1-based): chr2:199,272,618, C>A on the plus strand (G>T on the coding strand, the complement: SATB2 is on the minus strand). VCF-style: chr2-199272618-C-A. GRCh37 (hg19) VCF-style: chr2-200137341-C-A.
Other names: c.1795G>T, p.Glu599Ter (NM_001172517.1, NM_015265.4); short protein forms E599*.
Identifiers: ClinVar variation 3157931 (VCV003157931.1), dbSNP rs2468783739, ClinGen allele CA350385985.
Genomic context (GRCh38, chr2:199,272,618, plus strand): 5'-TGCGAGACCGGGGCTTTTTGGCACAACTGTCTTCAGTCGGAGGAGGTGGGGGAGGCGCTT[C>A]TTCTCTGGGAGGGGAACTCTCCTTGGCTGGCTGAGACTGCTGTCTATGAAGTACCTGATA-3'

ClinVar aggregate classification (germline): Pathogenic (1 of 4 stars; one submission).

Conditions:
Inborn genetic diseases. Identifiers: MedGen C0950123, MeSH D030342.

Submission:

Ambry Genetics
Classification: Pathogenic for Inborn genetic diseases. Last evaluated: 2024-01-31. Review status: criteria provided, single submitter. Criteria: Ambry Variant Classification Scheme 2023. Collection method: clinical testing. Allele origin: germline.
Comment: The c.1795G>T (p.E599*) alteration, located in exon 12 (coding exon 10) of the SATB2 gene, consists of a G to T substitution at nucleotide position 1795. This changes the amino acid from a glutamic acid (E) to a stop codon at amino acid position 599. This alteration occurs at the 3' terminus of the SATB2 gene, is not expected to trigger nonsense-mediated mRNA decay, and only impacts the last 18% of the protein. However, premature stop codons are typically deleterious in nature, the impacted region is critical for protein function, and a significant portion of the protein is affected (Ambry internal data). This variant was not reported in population-based cohorts in the Genome Aggregation Database (gnomAD). Based on the available evidence, this alteration is classified as pathogenic.